The following is an entry in ClinVar:

ClinVar aggregate classification (germline): Benign/Likely benign. Review status: criteria provided, multiple submitters, no conflicts (2 of 4 stars). 2 submissions from 2 submitters: Benign (1); Likely benign (1). Last evaluated 2025-11-24.

Conditions:
Congenital stationary night blindness autosomal dominant 3. Also called: NIGHT BLINDNESS, CONGENITAL STATIONARY, NOUGARET TYPE. Identifiers: Orphanet 215, MedGen C1864870, MONDO:0012497, OMIM 610444.

Allele frequency attached by ClinVar (database versions not stated): gnomAD exomes 0.00008 and 0.00014; ExAC 0.00009; gnomAD 0.00011 and 0.00012; TOPMed 0.00012; ESP Exome Variant Server 0.00015.

Submissions (2):

Labcorp Genetics (formerly Invitae), Labcorp
Classification: Benign. Last evaluated: 2025-11-24. Review status: criteria provided, single submitter. Criteria: Invitae Variant Classification Sherloc (09022015). Collection method: clinical testing. Allele origin: germline.

Illumina Laboratory Services, Illumina
Classification: Likely benign for Congenital stationary night blindness autosomal dominant 3. Last evaluated: 2018-01-12. Review status: criteria provided, single submitter. Criteria: ICSL Variant Classification Criteria 13 December 2019. Collection method: clinical testing. Allele origin: germline.
Comment: This variant was observed in the ICSL laboratory as part of a predisposition screen in an ostensibly healthy population. It had not been previously curated by ICSL or reported in the Human Gene Mutation Database (HGMD: prior to June 1st, 2018), and was therefore a candidate for classification through an automated scoring system. Utilizing variant allele frequency, disease prevalence and penetrance estimates, and inheritance mode, an automated score was calculated to assess if this variant is too frequent to cause the disease. Based on the score and internal cut-off values, a variant classified as likely benign is not then subjected to further curation. The score for this variant resulted in a classification of likely benign for this disease.

NM_144499.3(GNAT1):c.39G>A (p.Arg13=)

Gene: GNAT1 (G protein subunit alpha transducin 1; plus strand). Cytogenetic location: 3p21.31.
Variant type: single nucleotide variant.
Coding change: c.39G>A on transcript NM_144499.3 (MANE Select); coding-DNA position 39, G replaced by A.
Protein change: p.Arg13=; no amino-acid change (arginine 13 retained).
Molecular consequence: synonymous variant.
Genome position (GRCh38, 1-based): chr3:50,191,764, G>A. VCF-style: chr3-50191764-G-A. GRCh37 (hg19) VCF-style: chr3-50229197-G-A.
Other names: c.39G>A, p.Arg13= (NM_000172.4).
Identifiers: ClinVar variation 346045 (VCV000346045.12), dbSNP rs201955783, ClinGen allele CA2412422.